The following is an entry in ClinVar:

ClinVar aggregate classification (germline): Pathogenic (1 of 4 stars; one submission).

Conditions:
Cockayne spectrum with or without cerebrooculofacioskeletal syndrome. Identifiers: MedGen CN315928, MONDO:0100506.

Submission:

Myriad Genetics, Inc.
Classification: Pathogenic for Cockayne spectrum with or without cerebrooculofacioskeletal syndrome. Last evaluated: 2024-10-04. Review status: criteria provided, single submitter. Criteria: Myriad Autosomal Dominant, Autosomal Recessive and X-Linked Classification Criteria (2023). Collection method: clinical testing. Allele origin: unknown.
Comment: NM_000124.2(ERCC6):c.3715_3716dupAA(S1240Rfs*28) is expected to be pathogenic in the context of ERCC6-related disorders. This variant is predicted to lead to an abnormal or absent protein product due to the creation of a premature termination codon in ERCC6, a gene where loss-of-function variants are known to be pathogenic. Please note: this variant was assessed in the context of healthy population screening.

NM_000124.4(ERCC6):c.3715_3716dup (p.Ser1240fs)

Gene: ERCC6 (ERCC excision repair 6, chromatin remodeling factor; minus strand). Cytogenetic location: 10q11.23.
Variant type: Duplication.
Coding change: c.3715_3716dup on transcript NM_000124.4 (MANE Select); coding-DNA positions 3715 to 3716, 2 bases duplicated (AA; older notation c.3715_3716dupAA).
Protein change: p.Ser1240fs; shifts the reading frame from serine 1240.
Molecular consequence: frameshift variant.
Genome position (GRCh38, 1-based): chr10:49,470,244-49,470,245, TT duplicated on the plus strand (AA on the coding strand, the reverse complement: ERCC6 is on the minus strand). VCF-style (leftmost placement, unchanged base first): chr10-49470243-C-CTT. GRCh37 (hg19) VCF-style: chr10-50678289-C-CTT.
Other names: c.3715_3716dup, p.Ser1240fs (NM_001346440.2); short protein forms S1240fs.
Identifiers: ClinVar variation 5013608 (VCV005013608.1).